The following is an entry in ClinVar:

ClinVar aggregate classification (germline): Conflicting classifications of pathogenicity. Review status: criteria provided, conflicting classifications (1 of 4 stars). 3 submissions from 3 submitters: Uncertain significance (1); Likely benign (2). Last evaluated 2024-09-04.

Conditions:
Arrhythmogenic right ventricular cardiomyopathy (ARVD). Also called: Arrhythmogenic cardiomyopathy; Cardiomyopathy, ARVC; Arrhythmogenic right ventricular dysplasia; Arrhythmogenic Right Ventricular Cardiomyopathy (ARVC). Identifiers: Orphanet 247, MedGen C0349788, MeSH D019571, MONDO:0016587. Disease mechanism: loss of function. Inheritance: Various modes of inheritance.
Cardiomyopathy (CMYO). Also called: Cardiomyopathies. Identifiers: Orphanet 167848, MedGen C0878544, MONDO:0004994, HP:0001638. Inheritance: Various modes of inheritance.
Arrhythmogenic right ventricular dysplasia 9 (ARVD9). Also called: Arrhythmogenic Right Ventricular Dysplasia/Cardiomyopathy 9; ARRHYTHMOGENIC RIGHT VENTRICULAR DYSPLASIA, FAMILIAL, 9. Identifiers: MedGen C1836906, MONDO:0012180, OMIM 609040.

Allele frequency attached by ClinVar (database versions not stated): gnomAD exomes below 0.00001 and 0.00001.
gnomAD v4.1: 2 of 1,501,914 alleles (0.00013%); highest among the groups gnomAD compares: Non-Finnish European, 0.00018%; no homozygotes.

Submissions (3):

Color Diagnostics, LLC DBA Color Health
Classification: Likely benign for Cardiomyopathy. Last evaluated: 2024-09-04. Review status: criteria provided, single submitter. Criteria: ACMG Guidelines, 2015. Collection method: clinical testing. Allele origin: germline.

All of Us Research Program, National Institutes of Health
Classification: Likely benign for Arrhythmogenic right ventricular cardiomyopathy. Last evaluated: 2024-07-20. Review status: criteria provided, single submitter. Criteria: ACMG Guidelines, 2015. Collection method: clinical testing. Allele origin: germline. Inheritance: Autosomal dominant inheritance. Observed: 1 variant allele, 1 heterozygote.
Comment: This study involves interpretation of variants in research participants for the purpose of population health screening. Participant phenotype was not available at the time of variant classification. Additional details can be found in publication PMID: 35346344, PMCID: PMC8962531

Labcorp Genetics (formerly Invitae), Labcorp
Classification: Uncertain significance for Arrhythmogenic right ventricular dysplasia 9. Last evaluated: 2021-09-02. Review status: criteria provided, single submitter. Criteria: Invitae Variant Classification Sherloc (09022015). Collection method: clinical testing. Allele origin: germline.
Comment: This sequence change replaces tyrosine with cysteine at codon 10 of the PKP2 protein (p.Tyr10Cys). The tyrosine residue is weakly conserved and there is a large physicochemical difference between tyrosine and cysteine. The frequency data for this variant in the population databases is considered unreliable, as metrics indicate insufficient coverage at this position in the ExAC database. This variant has not been reported in the literature in individuals affected with PKP2-related conditions. Algorithms developed to predict the effect of missense changes on protein structure and function output the following: SIFT: "Tolerated"; PolyPhen-2: "Benign"; Align-GVGD: "Class C0". The cysteine amino acid residue is found in multiple mammalian species, which suggests that this missense change does not adversely affect protein function. In summary, the available evidence is currently insufficient to determine the role of this variant in disease. Therefore, it has been classified as a Variant of Uncertain Significance.

NM_001005242.3(PKP2):c.29A>G (p.Tyr10Cys)

Gene: PKP2 (plakophilin 2; minus strand). Cytogenetic location: 12p11.21.
Variant type: single nucleotide variant.
Coding change: c.29A>G on transcript NM_001005242.3 (MANE Select); coding-DNA position 29, A replaced by G.
Protein change: p.Tyr10Cys; replaces tyrosine 10 with cysteine.
Molecular consequence: missense variant.
Genome position (GRCh38, 1-based): chr12:32,896,703, T>C on the plus strand (A>G on the coding strand, the complement: PKP2 is on the minus strand). VCF-style: chr12-32896703-T-C. GRCh37 (hg19) VCF-style: chr12-33049637-T-C.
Other names: c.29A>G, p.Tyr10Cys (NM_004572.4); short protein forms Y10C.
Identifiers: ClinVar variation 927330 (VCV000927330.11), dbSNP rs1181973282, ClinGen allele CA384371737.
Genomic context (GRCh38, chr12:32,896,703, plus strand): 5'-AGGCTGGAGCTGTCCAGTTGTCCCAGGATCTGCTGGCCCAGGACGGTCCGGATGTAGCCG[T>C]ACTCAGCTGGGGCGCCGGGGGCTGCCATGGGGCCGGTGGGGGCGACCGAGCTGCTCGCCT-3'
Protein context (NP_001005242.2, residues 1-20): MAAPGAPAE[Tyr10Cys]GYIRTVLGQQ